The following is an entry in ClinVar:

ClinVar aggregate classification (germline): Uncertain significance (1 of 4 stars; one submission).

Conditions:
Primary ciliary dyskinesia. Also called: Ciliary dyskinesia. Identifiers: Orphanet 244, MedGen C0008780, MONDO:0016575, HP:0012265.

Submission:

Labcorp Genetics (formerly Invitae), Labcorp
Classification: Uncertain significance for Primary ciliary dyskinesia. Last evaluated: 2026-01-05. Review status: criteria provided, single submitter. Criteria: Invitae Variant Classification Sherloc (09022015). Collection method: clinical testing. Allele origin: germline.
Comment: This sequence change replaces tyrosine, which is neutral and polar, with histidine, which is basic and polar, at codon 791 of the DNAAF5 protein (p.Tyr791His). This variant is not present in population databases (gnomAD no frequency). This variant has not been reported in the literature in individuals affected with DNAAF5-related conditions. ClinVar contains an entry for this variant (Variation ID: 1418245). Invitae Evidence Modeling of protein sequence and biophysical properties (such as structural, functional, and spatial information, amino acid conservation, physicochemical variation, residue mobility, and thermodynamic stability) indicates that this missense variant is expected to disrupt DNAAF5 protein function with a positive predictive value of 80%. In summary, the available evidence is currently insufficient to determine the role of this variant in disease. Therefore, it has been classified as a Variant of Uncertain Significance.

NM_017802.4(DNAAF5):c.2371T>C (p.Tyr791His)

Gene: DNAAF5 (dynein axonemal assembly factor 5; plus strand). Cytogenetic location: 7p22.3.
Variant type: single nucleotide variant.
Coding change: c.2371T>C on transcript NM_017802.4 (MANE Select); coding-DNA position 2371, T replaced by C.
Protein change: p.Tyr791His; replaces tyrosine 791 with histidine.
Molecular consequence: missense variant. On other transcripts: non-coding transcript variant (1).
Genome position (GRCh38, 1-based): chr7:780,084, T>C. VCF-style: chr7-780084-T-C. GRCh37 (hg19) VCF-style: chr7-819721-T-C.
Other names: short protein forms Y791H.
Identifiers: ClinVar variation 1418245 (VCV001418245.6), dbSNP rs2128086438, ClinGen allele CA366547983.